The following is an entry in ClinVar:

NM_001127511.3(APC):c.-69G>A

Gene: APC (APC regulator of Wnt signaling pathway; plus strand). Cytogenetic location: 5q22.2.
Variant type: single nucleotide variant.
Coding change: c.-69G>A on transcript NM_001127511.3; 69 bases upstream of the start codon, G replaced by A.
Molecular consequence: 5 prime UTR variant. On other transcripts: non-coding transcript variant (2).
Genome position (GRCh38, 1-based): chr5:112,707,649, G>A. VCF-style: chr5-112707649-G-A. GRCh37 (hg19) VCF-style: chr5-112043346-G-A.
Other names: c.-1287G>A (NM_001407472.1, NM_001407470.1); c.-252G>A (NM_001354895.2, NM_001407447.1, NM_001407452.1 and 3 more transcripts); c.-69G>A (NM_001354897.2, NM_001354902.2, NM_001407446.1); c.-19G>A (NM_001407448.1, NM_001407450.1, NM_001407457.1 and 1 more transcripts); c.-43G>A (NM_001407453.1).
Identifiers: ClinVar variation 1500800 (VCV001500800.6), dbSNP rs2149630009, ClinGen allele CA2573138788.

ClinVar aggregate classification (germline): Uncertain significance (1 of 4 stars; one submission).

Conditions:
Familial adenomatous polyposis 1 (FAP1). Also called: FAMILIAL ADENOMATOUS POLYPOSIS 1, ATTENUATED; POLYPOSIS, ADENOMATOUS INTESTINAL. Identifiers: MedGen C2713442, MONDO:0021056, OMIM 175100. Disease mechanism: loss of function.

Submission:

Labcorp Genetics (formerly Invitae), Labcorp
Classification: Uncertain significance for Familial adenomatous polyposis 1. Last evaluated: 2023-02-14. Review status: criteria provided, single submitter. Criteria: Invitae Variant Classification Sherloc (09022015). Collection method: clinical testing. Allele origin: germline.
Comment: In summary, the available evidence is currently insufficient to determine the role of this variant in disease. Therefore, it has been classified as a Variant of Uncertain Significance. Experimental studies and prediction algorithms are not available or were not evaluated, and the functional significance of this variant is currently unknown. This variant occurs in a non-coding region of the APC gene. It does not change the encoded amino acid sequence of the APC protein. This variant is not present in population databases (gnomAD no frequency). This variant has not been reported in the literature in individuals affected with APC-related conditions.